The following is an entry in ClinVar:

ClinVar aggregate classification (germline): Benign/Likely benign. Review status: criteria provided, multiple submitters, no conflicts (2 of 4 stars). 3 submissions from 3 submitters: Benign (1); Likely benign (1). 1 of the submissions does not count toward it. Last evaluated 2026-08-01.

Conditions:
DSE-related disorder. Also called: DSE-related condition.

Allele frequency attached by ClinVar (database versions not stated): TOPMed 0.00473; 1000 Genomes Project 0.00200; gnomAD 0.00461 and 0.00476; ESP Exome Variant Server 0.00520; ExAC 0.00445; 1000 Genomes Project 30x 0.00203; gnomAD exomes 0.00502.
gnomAD v4.1: 10,143 of 1,611,712 alleles (0.63%); highest among the groups gnomAD compares: Middle Eastern, 1.6%; 61 homozygotes.

Submissions (3):

CeGaT Center for Human Genetics Tuebingen
Classification: Likely benign. Last evaluated: 2026-08-01. Review status: criteria provided, single submitter. Criteria: CeGaT Center For Human Genetics Tuebingen Variant Classification Criteria Version 2. Collection method: clinical testing. Allele origin: germline. Affected: yes. Observed: 12 variant alleles.
Comment: TSPYL1: BP4, BP7, BS2

Labcorp Genetics (formerly Invitae), Labcorp
Classification: Benign. Last evaluated: 2026-02-01. Review status: criteria provided, single submitter. Criteria: Invitae Variant Classification Sherloc (09022015). Collection method: clinical testing. Allele origin: germline.

PreventionGenetics, part of Exact Sciences
Classification: Benign for DSE-related condition. Last evaluated: 2019-07-02. Review status: no assertion criteria provided. Collection method: clinical testing. Allele origin: germline. Not counted in ClinVar's aggregate classification.
Comment: This variant is classified as benign based on ACMG/AMP sequence variant interpretation guidelines (Richards et al. 2015 PMID: 25741868, with internal and published modifications).

NM_003309.4(TSPYL1):c.99C>T (p.Tyr33=)

Genes: DSE (dermatan sulfate epimerase; plus strand), TSPYL1 (TSPY like 1; minus strand). Cytogenetic location: 6q22.1.
Variant type: single nucleotide variant.
Coding change: c.99C>T on transcript NM_003309.4 (MANE Select); coding-DNA position 99, C replaced by T.
Protein change: p.Tyr33=; no amino-acid change (tyrosine 33 retained).
Molecular consequence: synonymous variant. On other transcripts: intron variant (6).
Genome position (GRCh38, 1-based): chr6:116,279,732, G>A on the plus strand (C>T on the coding strand, the complement: TSPYL1 is on the minus strand). VCF-style: chr6-116279732-G-A. GRCh37 (hg19) VCF-style: chr6-116600895-G-A.
Other names: c.-954+20765G>A (NM_001374520.1); c.-54+20765G>A (NM_001322937.2, NM_001322938.2, NM_001374522.1); c.-641+20765G>A (NM_001374521.1); c.-611+20765G>A (NM_001322940.2).
Identifiers: ClinVar variation 791449 (VCV000791449.33), dbSNP rs61746509, ClinGen allele CA3969374.